The following is an entry in ClinVar:

ClinVar aggregate classification (germline): Conflicting classifications of pathogenicity. Review status: criteria provided, conflicting classifications (1 of 4 stars). 7 submissions from 7 submitters: Uncertain significance (3); Likely benign (3). 1 of the submissions does not count toward it. Last evaluated 2026-01-28.

Conditions:
Glycogen storage disease, type II (IOPD). Also called: GLYCOGENOSIS, GENERALIZED, CARDIAC FORM; GSD II; Glycogen storage disease type 2; Acid maltase deficiency disease; Aglucosidase alfa; Deficiency of alpha-glucosidase. Identifiers: Orphanet 365, MedGen C0017921, MONDO:0009290, OMIM 232300.
GAA-related disorder. Also called: GAA-related condition.

Submissions (7):

Labcorp Genetics (formerly Invitae), Labcorp
Classification: Likely benign for Glycogen storage disease, type II. Last evaluated: 2026-01-28. Review status: criteria provided, single submitter. Criteria: Invitae Variant Classification Sherloc (09022015). Collection method: clinical testing. Allele origin: germline.

Women's Health and Genetics/Laboratory Corporation of America, LabCorp
Classification: Likely benign. Last evaluated: 2025-04-23. Review status: criteria provided, single submitter. Criteria: LabCorp Variant Classification Summary - May 2015. Collection method: clinical testing. Allele origin: germline.
Comment: Variant summary: GAA c.2800-9_2800-8delCT alters a non-conserved nucleotide located at a position not widely known to affect splicing. Consensus agreement among computation tools predict no significant impact on normal splicing. However, these predictions have yet to be confirmed by functional studies. The variant allele was found at a frequency of 0.00014 in 251258 control chromosomes. This frequency is not significantly higher than estimated for a pathogenic variant in GAA causing Glycogen Storage Disease, Type 2 (Pompe Disease) (0.00014 vs 0.0042), allowing no conclusion about variant significance. To our knowledge, no occurrence of c.2800-9_2800-8delCT in individuals affected with GAA-related conditions and no experimental evidence demonstrating its impact on protein function have been reported. ClinVar contains an entry for this variant (Variation ID: 507550). Based on the evidence outlined above, the variant was classified as likely benign.

Department of Pathology and Laboratory Medicine, Sinai Health System
Classification: Uncertain significance for Glycogen storage disease, type II. Last evaluated: 2021-08-11. Review status: criteria provided, single submitter. Criteria: ACMG Guidelines, 2015. Collection method: research. Allele origin: germline.

Genome-Nilou Lab
Classification: Uncertain significance for Glycogen storage disease, type II. Last evaluated: 2021-07-22. Review status: criteria provided, single submitter. Criteria: ACMG Guidelines, 2015. Collection method: clinical testing. Allele origin: germline. Affected: no.

GeneDx
Classification: Likely benign. Last evaluated: 2020-09-02. Review status: criteria provided, single submitter. Criteria: GeneDx Variant Classification Process June 2021. Collection method: clinical testing. Allele origin: germline. Affected: yes.

Eurofins Ntd Llc (ga)
Classification: Uncertain significance. Last evaluated: 2018-03-01. Review status: criteria provided, single submitter. Criteria: EGL ClinVar v180209 classification definitions. Collection method: clinical testing. Allele origin: germline. Observed: 2 variant alleles, 2 heterozygotes.

PreventionGenetics, part of Exact Sciences
Classification: Likely benign for GAA-related condition. Last evaluated: 2019-12-09. Review status: no assertion criteria provided. Collection method: clinical testing. Allele origin: germline. Not counted in ClinVar's aggregate classification.
Comment: This variant is classified as likely benign based on ACMG/AMP sequence variant interpretation guidelines (Richards et al. 2015 PMID: 25741868, with internal and published modifications).

NM_000152.5(GAA):c.2800-15CT[3]

Gene: GAA (alpha glucosidase; plus strand). Cytogenetic location: 17q25.3.
Variant type: Microsatellite.
Coding change: c.2800-15CT[3] on transcript NM_000152.5 (MANE Select); three copies in a row of the 2-base unit CT starting at c.2800-15; the reference has four copies in a row; one copy, 2 bases deleted.
Molecular consequence: intron variant.
Genome position (GRCh38, 1-based): chr17:80,119,263-80,119,264, CT deleted; deleting any 2 consecutive bases within chr17:80,119,257-80,119,264 gives the same sequence; the position shown is the placement nearest the transcript's 3' end. VCF-style (leftmost placement, unchanged base first): chr17-80119256-GCT-G. GRCh37 (hg19) VCF-style: chr17-78093055-GCT-G.
Other names: c.2800-15CT[3] (NM_001079803.3, NM_001079804.3); c.2800-9_2800-8delCT (NM_000152.4, NM_000152.5).
Identifiers: ClinVar variation 507550 (VCV000507550.23), dbSNP rs770227589, ClinGen allele CA8815880.